The following is an entry in ClinVar:

ClinVar aggregate classification (germline): Conflicting classifications of pathogenicity. Review status: criteria provided, conflicting classifications (1 of 4 stars). 5 submissions from 5 submitters: Uncertain significance (4); Likely benign (1). Last evaluated 2026-08-13.

Conditions:
Cardiovascular phenotype. Identifiers: MedGen CN230736.
Cardiomyopathy (CMYO). Also called: Cardiomyopathies. Identifiers: Orphanet 167848, MedGen C0878544, MONDO:0004994, HP:0001638. Inheritance: Various modes of inheritance.
TTN-related disorder. Also called: TTN-related condition; TTN-related disease; TTN-related disorders.
Myopathy, myofibrillar, 9, with early respiratory failure (MFM9). Also called: Hereditary myopathy with early respiratory failure; EDSTROM MYOPATHY; MYOPATHY, PROXIMAL, WITH EARLY RESPIRATORY MUSCLE INVOLVEMENT; Myopathy, distal, with early respiratory failure, autosomal dominant. Identifiers: Orphanet 178464, Orphanet 34521, MedGen C1863599, MONDO:0011362, OMIM 603689.
Autosomal recessive limb-girdle muscular dystrophy type 2J (LGMDR10). Also called: Limb-girdle muscular dystrophy, type 2J; MUSCULAR DYSTROPHY, LIMB-GIRDLE, AUTOSOMAL RECESSIVE 10. Identifiers: Orphanet 140922, MedGen C1837342, MONDO:0012127, OMIM 608807.
Dilated cardiomyopathy 1G (CMD1G). Identifiers: Orphanet 154, MedGen C1858763, MONDO:0011400, OMIM 604145.
Early-onset myopathy with fatal cardiomyopathy (CMYO5). Also called: Salih Myopathy; CONGENITAL MYOPATHY 5 WITH CARDIOMYOPATHY. Identifiers: Orphanet 289377, MedGen C2673677, MONDO:0012714, OMIM 611705. Disease mechanism: loss of function.
Tibial muscular dystrophy (TMD). Also called: Udd Distal Myopathy – Tibial Muscular Dystrophy; UDD MYOPATHY; Tibial muscular dystrophy, tardive. Identifiers: Orphanet 609, MedGen C1838244, MONDO:0010870, OMIM 600334.
Hypertrophic cardiomyopathy 9. Also called: Familial hypertrophic cardiomyopathy 9. Identifiers: MedGen C1861065, MONDO:0013412, OMIM 613765.

Allele frequency attached by ClinVar (database versions not stated): ExAC 0.00002; gnomAD exomes 0.00002; gnomAD 0.00003 and 0.00004; TOPMed 0.00003; ESP Exome Variant Server 0.00008.
gnomAD v4.1: 13 of 1,613,892 alleles (0.00081%); highest among the groups gnomAD compares: African/African-American, 0.015%; no homozygotes.

Submissions (5):

PreventionGenetics, part of Exact Sciences
Classification: Uncertain significance for TTN-related condition. Last evaluated: 2026-08-13. Review status: criteria provided, single submitter. Criteria: ACMG Guidelines, 2015. Collection method: clinical testing. Allele origin: germline.
Comment: The TTN c.9050G>A variant is predicted to result in the amino acid substitution p.Arg3017Lys. To our knowledge, this variant has not been reported in the literature. This variant is reported in 0.020% of alleles in individuals of African descent in gnomAD. At this time, the clinical significance of this variant is uncertain due to the absence of conclusive functional and genetic evidence.

Fulgent Genetics
Classification: Uncertain significance for Tibial muscular dystrophy; Myopathy, myofibrillar, 9, with early respiratory failure; Dilated cardiomyopathy 1G; Autosomal recessive limb-girdle muscular dystrophy type 2J; Early-onset myopathy with fatal cardiomyopathy; Hypertrophic cardiomyopathy 9. Last evaluated: 2021-10-01. Review status: criteria provided, single submitter. Criteria: ACMG Guidelines, 2015. Collection method: clinical testing. Allele origin: unknown.

Ambry Genetics
Classification: Likely benign for Cardiovascular phenotype. Last evaluated: 2020-08-25. Review status: criteria provided, single submitter. Criteria: Ambry Variant Classification Scheme 2023. Collection method: clinical testing. Allele origin: germline.

CHEO Genetics Diagnostic Laboratory, Children's Hospital of Eastern Ontario
Classification: Uncertain significance for Cardiomyopathy. Last evaluated: 2017-11-16. Review status: criteria provided, single submitter. Criteria: ACMG Guidelines, 2015. Collection method: clinical testing. Allele origin: germline.

Eurofins Ntd Llc (ga)
Classification: Uncertain significance. Last evaluated: 2017-06-02. Review status: criteria provided, single submitter. Criteria: EGL Classification Definitions 2015. Collection method: clinical testing. Allele origin: germline. Observed: 1 variant allele, 1 heterozygote.

NM_001267550.2(TTN):c.9050G>A (p.Arg3017Lys)

Gene: TTN (titin; minus strand). Cytogenetic location: 2q31.2.
Variant type: single nucleotide variant.
Coding change: c.9050G>A on transcript NM_001267550.2 (MANE Select); coding-DNA position 9050, G replaced by A.
Protein change: p.Arg3017Lys; replaces arginine 3017 with lysine.
Molecular consequence: missense variant.
Genome position (GRCh38, 1-based): chr2:178,768,786, C>T on the plus strand (G>A on the coding strand, the complement: TTN is on the minus strand). VCF-style: chr2-178768786-C-T. GRCh37 (hg19) VCF-style: chr2-179633513-C-T.
Other names: c.9050G>A, p.Arg3017Lys (NM_001256850.1, NM_133378.4, NM_133379.5); c.8912G>A, p.Arg2971Lys (NM_003319.4, NM_133432.3, NM_133437.4); short protein forms R3017K, R2971K.
Identifiers: ClinVar variation 501995 (VCV000501995.11), dbSNP rs372303620, ClinGen allele CA2004458.